The following is an entry in ClinVar:

ClinVar aggregate classification (germline): Uncertain significance (1 of 4 stars; one submission).

Conditions:
Brugada syndrome 8 (BRGDA8). Identifiers: Orphanet 130, MedGen C2751083, MONDO:0013148, OMIM 613123.

Submission:

Labcorp Genetics (formerly Invitae), Labcorp
Classification: Uncertain significance for Brugada syndrome 8. Last evaluated: 2025-10-27. Review status: criteria provided, single submitter. Criteria: Invitae Variant Classification Sherloc (09022015). Collection method: clinical testing. Allele origin: germline.
Comment: This variant, c.2131_2139del, results in the deletion of 3 amino acid(s) of the HCN4 protein (p.Leu711_Arg713del), but otherwise preserves the integrity of the reading frame. This variant is not present in population databases (gnomAD no frequency). This variant has not been reported in the literature in individuals affected with HCN4-related conditions. Experimental studies and prediction algorithms are not available or were not evaluated, and the functional significance of this variant is currently unknown. In summary, the available evidence is currently insufficient to determine the role of this variant in disease. Therefore, it has been classified as a Variant of Uncertain Significance.

NM_005477.3(HCN4):c.2122CTGGACCGC[1] (p.708LDR[1])

Gene: HCN4 (hyperpolarization activated cyclic nucleotide gated potassium channel 4; minus strand). Cytogenetic location: 15q24.1.
Variant type: Microsatellite.
Coding change: c.2122CTGGACCGC[1] on transcript NM_005477.3 (MANE Select); one copy of the 9-base unit CTGGACCGC starting at c.2122; the reference has two copies in a row; one copy, 9 bases deleted.
Protein change: p.708LDR[1].
Molecular consequence: inframe deletion.
Genome position (GRCh38, 1-based): chr15:73,324,093-73,324,101, GCGGTCCAG deleted on the plus strand (CTGGACCGC on the coding strand, the reverse complement: HCN4 is on the minus strand); deleting any 9 consecutive bases within chr15:73,324,093-73,324,110 gives the same sequence; the position shown is the placement nearest the transcript's 3' end. VCF-style (leftmost placement, unchanged base first): chr15-73324092-TGCGGTCCAG-T. GRCh37 (hg19) VCF-style: chr15-73616433-TGCGGTCCAG-T.
Identifiers: ClinVar variation 2693044 (VCV002693044.3), dbSNP rs2549069409, ClinGen allele CA2629370961.